The following is an entry in ClinVar:

ClinVar aggregate classification (germline): Uncertain significance (1 of 4 stars; one submission).

Conditions:
Brown-Vialetto-van Laere syndrome 2. Also called: SPINOCEREBELLAR ATAXIA WITH BLINDNESS AND DEAFNESS 2; Riboflavin transporter deficiency type 2. Identifiers: Orphanet 572543, Orphanet 97229, MedGen C3553538, MONDO:0013867, OMIM 614707.

Allele frequency attached by ClinVar (database versions not stated): gnomAD exomes 0.00001 and 0.00002; ExAC 0.00002; TOPMed 0.00001.

Submission:

Labcorp Genetics (formerly Invitae), Labcorp
Classification: Uncertain significance for Brown-Vialetto-van Laere syndrome 2. Last evaluated: 2022-07-06. Review status: criteria provided, single submitter. Criteria: Invitae Variant Classification Sherloc (09022015). Collection method: clinical testing. Allele origin: germline.
Comment: This sequence change replaces glycine, which is neutral and non-polar, with serine, which is neutral and polar, at codon 182 of the SLC52A2 protein (p.Gly182Ser). This variant is present in population databases (rs782149467, gnomAD 0.02%). This variant has not been reported in the literature in individuals affected with SLC52A2-related conditions. ClinVar contains an entry for this variant (Variation ID: 1368707). Advanced modeling of protein sequence and biophysical properties (such as structural, functional, and spatial information, amino acid conservation, physicochemical variation, residue mobility, and thermodynamic stability) performed at Invitae indicates that this missense variant is not expected to disrupt SLC52A2 protein function. Algorithms developed to predict the effect of sequence changes on RNA splicing suggest that this variant may create or strengthen a splice site. In summary, the available evidence is currently insufficient to determine the role of this variant in disease. Therefore, it has been classified as a Variant of Uncertain Significance.

NM_001363118.2(SLC52A2):c.544G>A (p.Gly182Ser)

Gene: SLC52A2 (solute carrier family 52 member 2; plus strand). Cytogenetic location: 8q24.3.
Variant type: single nucleotide variant.
Coding change: c.544G>A on transcript NM_001363118.2 (MANE Select); coding-DNA position 544, G replaced by A.
Protein change: p.Gly182Ser; replaces glycine 182 with serine.
Molecular consequence: missense variant. On other transcripts: non-coding transcript variant (1), intron variant (1).
Genome position (GRCh38, 1-based): chr8:144,360,036, G>A. VCF-style: chr8-144360036-G-A. GRCh37 (hg19) VCF-style: chr8-145583696-G-A.
Other names: c.544G>A, p.Gly182Ser (NM_001253815.2, NM_001253816.2, NM_001363120.2 and 2 more transcripts); c.131-79G>A (NM_001363122.2); short protein forms G182S.
Identifiers: ClinVar variation 1368707 (VCV001368707.3), dbSNP rs782149467, ClinGen allele CA4938215.